The following is an entry in ClinVar:

NM_001378615.1(CC2D2A):c.4155G>A (p.Leu1385=)

Genes: CC2D2A (coiled-coil and C2 domain containing 2A; plus strand), FBXL5 (F-box and leucine rich repeat protein 5; minus strand). Cytogenetic location: 4p15.32.
Variant type: single nucleotide variant.
Coding change: c.4155G>A on transcript NM_001378615.1 (MANE Select); coding-DNA position 4155, G replaced by A.
Protein change: p.Leu1385=; no amino-acid change (leucine 1385 retained).
Molecular consequence: synonymous variant.
Genome position (GRCh38, 1-based): chr4:15,587,905, G>A. VCF-style: chr4-15587905-G-A. GRCh37 (hg19) VCF-style: chr4-15589528-G-A.
Other names: p.Leu1385=; c.4155G>A, p.Leu1385= (NM_001080522.2); c.4008G>A, p.Leu1336= (NM_001378617.1).
Identifiers: ClinVar variation 1637785 (VCV001637785.10), dbSNP rs371862849, ClinGen allele CA2864328.
Genomic context (GRCh38, chr4:15,587,905, plus strand): 5'-AGAAGAACATGCAGTACTATTGTGTAATTACTTTCTGTCTCTGGGTAAGAAGGCCTGGCT[G>A]TTGATGGGCAATGCTATTCCTGAGGTAAGACCACATAGGCTGCCTTTAACAGAGGAGTAT-3'
Protein context (NP_001365544.1, residues 1375-1395): YFLSLGKKAW[Leu1385=]LMGNAIPEGP

ClinVar aggregate classification (germline): Likely benign. Review status: criteria provided, multiple submitters, no conflicts (2 of 4 stars). 3 submissions from 3 submitters: Likely benign (3). Last evaluated 2025-07-15.

Conditions:
CC2D2A-related disorder. Also called: CC2D2A-related condition; CC2D2A-related disorders. Identifiers: MedGen CN239313.
Meckel-Gruber syndrome. Also called: DYSENCEPHALIA SPLANCHNOCYSTICA; GRUBER SYNDROME; Dysencephalia splachnocystica. Identifiers: Orphanet 564, MedGen C0265215, MONDO:0018921.
Joubert syndrome. Also called: JOUBERT-BOLTSHAUSER SYNDROME; Familial aplasia of the vermis. Identifiers: Orphanet 475, MedGen C5979921, MONDO:0018772.

Allele frequency attached by ClinVar (database versions not stated): gnomAD 0.00001; gnomAD exomes 0.00001 and 0.00005; TOPMed 0.00001; ExAC 0.00002; ESP Exome Variant Server 0.00008.
gnomAD v4.1: 66 of 1,610,328 alleles (0.0041%); highest among the groups gnomAD compares: Non-Finnish European, 0.0055%; 1 homozygote.

Submissions (3):

PreventionGenetics, part of Exact Sciences
Classification: Likely benign for CC2D2A-related condition. Last evaluated: 2025-07-15. Review status: criteria provided, single submitter. Criteria: ACMG Guidelines, 2015. Collection method: clinical testing. Allele origin: germline.
Comment: This variant is classified as likely benign based on ACMG/AMP sequence variant interpretation guidelines (Richards et al. 2015 PMID: 25741868, with internal and published modifications).

Mayo Clinic Laboratories, Mayo Clinic
Classification: Likely benign. Last evaluated: 2024-10-21. Review status: criteria provided, single submitter. Criteria: ACMG Guidelines, 2015. Collection method: clinical testing. Allele origin: germline. Observed: 1 variant allele.

Labcorp Genetics (formerly Invitae), Labcorp
Classification: Likely benign for Joubert syndrome; Meckel-Gruber syndrome. Last evaluated: 2023-12-13. Review status: criteria provided, single submitter. Criteria: Invitae Variant Classification Sherloc (09022015). Collection method: clinical testing. Allele origin: germline.